The following is an entry in ClinVar:

NM_022124.6(CDH23):c.5477G>A (p.Arg1826Gln)

Gene: CDH23 (cadherin related 23; plus strand). Cytogenetic location: 10q22.1.
Variant type: single nucleotide variant.
Coding change: c.5477G>A on transcript NM_022124.6 (MANE Select); coding-DNA position 5477, G replaced by A.
Protein change: p.Arg1826Gln; replaces arginine 1826 with glutamine.
Molecular consequence: missense variant.
Genome position (GRCh38, 1-based): chr10:71,784,395, G>A. VCF-style: chr10-71784395-G-A. GRCh37 (hg19) VCF-style: chr10-73544152-G-A.
Other names: c.5477G>A (NM_022124.5); short protein forms R1826Q.
Identifiers: ClinVar variation 990281 (VCV000990281.5), dbSNP rs780097768, ClinGen allele CA5545764.

ClinVar aggregate classification (germline): Uncertain significance. Review status: criteria provided, multiple submitters, no conflicts (2 of 4 stars). 4 submissions from 4 submitters: Uncertain significance (3). 1 of the submissions does not count toward it. Last evaluated 2024-12-03.

Conditions:
Usher syndrome type 1 (USH1). Also called: RETINITIS PIGMENTOSA AND CONGENITAL DEAFNESS. Identifiers: Orphanet 231169, Orphanet 886, MedGen C1568247, MONDO:0010168, OMIM 276900.

Allele frequency attached by ClinVar (database versions not stated): ExAC 0.00001; TOPMed 0.00002.
gnomAD v4.1: 27 of 1,613,404 alleles (0.0017%); highest among the groups gnomAD compares: Admixed American, 0.0083%; no homozygotes.

Submissions (4):

GeneDx
Classification: Uncertain significance. Last evaluated: 2024-12-03. Review status: criteria provided, single submitter. Criteria: GeneDx Variant Classification Process June 2021. Collection method: clinical testing. Allele origin: germline. Affected: yes.
Comment: Not observed at significant frequency in large population cohorts (gnomAD); In silico analysis supports that this missense variant has a deleterious effect on protein structure/function; Has not been previously published as pathogenic or benign to our knowledge

Blueprint Genetics
Classification: Uncertain significance. Last evaluated: 2024-11-25. Review status: criteria provided, single submitter. Criteria: ACMG Guidelines, 2015. Collection method: clinical testing. Allele origin: germline.

Labcorp Genetics (formerly Invitae), Labcorp
Classification: Uncertain significance. Last evaluated: 2022-07-23. Review status: criteria provided, single submitter. Criteria: Invitae Variant Classification Sherloc (09022015). Collection method: clinical testing. Allele origin: germline.
Comment: This sequence change replaces arginine, which is basic and polar, with glutamine, which is neutral and polar, at codon 1826 of the CDH23 protein (p.Arg1826Gln). This variant is present in population databases (rs780097768, gnomAD 0.003%). This variant has not been reported in the literature in individuals affected with CDH23-related conditions. ClinVar contains an entry for this variant (Variation ID: 990281). Algorithms developed to predict the effect of missense changes on protein structure and function are either unavailable or do not agree on the potential impact of this missense change (SIFT: "Deleterious"; PolyPhen-2: "Not Available"; Align-GVGD: "Class C0"). Algorithms developed to predict the effect of sequence changes on RNA splicing suggest that this variant may create or strengthen a splice site. In summary, the available evidence is currently insufficient to determine the role of this variant in disease. Therefore, it has been classified as a Variant of Uncertain Significance.

Natera, Inc.
Classification: Uncertain significance for Usher syndrome type 1. Last evaluated: 2020-04-16. Review status: no assertion criteria provided. Collection method: clinical testing. Allele origin: germline. Not counted in ClinVar's aggregate classification.